The following is an entry in ClinVar:

NM_012062.5(DNM1L):c.1124G>C (p.Gly375Ala)

Gene: DNM1L (dynamin 1 like; plus strand). Cytogenetic location: 12p11.21.
Variant type: single nucleotide variant.
Coding change: c.1124G>C on transcript NM_012062.5 (MANE Select); coding-DNA position 1124, G replaced by C.
Protein change: p.Gly375Ala; replaces glycine 375 with alanine.
Molecular consequence: missense variant.
Genome position (GRCh38, 1-based): chr12:32,731,058, G>C. VCF-style: chr12-32731058-G-C. GRCh37 (hg19) VCF-style: chr12-32883992-G-C.
Other names: c.1124G>C, p.Gly375Ala (NM_001278463.2, NM_005690.5, NM_012063.4); c.1163G>C, p.Gly388Ala (NM_001278464.2, NM_001278465.2, NM_001330380.2); c.515G>C, p.Gly172Ala (NM_001278466.2); short protein forms G172A, G375A, G388A.
Identifiers: ClinVar variation 1311010 (VCV001311010.2), dbSNP rs2137521083, ClinGen allele CA384357336.

ClinVar aggregate classification (germline): Uncertain significance (1 of 4 stars; one submission).

Submission:

GeneDx
Classification: Uncertain significance. Last evaluated: 2020-01-13. Review status: criteria provided, single submitter. Criteria: GeneDx Variant Classification Process June 2021. Collection method: clinical testing. Allele origin: germline. Affected: yes.
Comment: Not observed in large population cohorts (Lek et al., 2016); In silico analysis, which includes protein predictors and evolutionary conservation, supports a deleterious effect; Has not been previously published as pathogenic or benign to our knowledge